The following is an entry in ClinVar:

NM_005219.5(DIAPH1):c.910dup (p.Ser304fs)

Gene: DIAPH1 (diaphanous related formin 1; minus strand). Cytogenetic location: 5q31.3.
Variant type: Duplication.
Coding change: c.910dup on transcript NM_005219.5 (MANE Select); coding-DNA position 910, one base duplicated (A; older notation c.910dupA).
Protein change: p.Ser304fs; shifts the reading frame from serine 304.
Molecular consequence: frameshift variant.
Genome position (GRCh38, 1-based): chr5:141,579,111, T duplicated on the plus strand (A on the coding strand, the reverse complement: DIAPH1 is on the minus strand); the first of 5 consecutive T bases (chr5:141,579,111-141,579,115); duplicating any one gives the same sequence. VCF-style (leftmost placement, unchanged base first): chr5-141579110-C-CT. GRCh37 (hg19) VCF-style: chr5-140958677-C-CT.
Other names: c.883dup, p.Ser295fs (NM_001079812.3); c.910dup, p.Ser304fs (NM_001314007.2); short protein forms S295fs, S304fs.
Identifiers: ClinVar variation 1413320 (VCV001413320.6), dbSNP rs2154596461, ClinGen allele CA2573139136.

ClinVar aggregate classification (germline): Pathogenic (1 of 4 stars; one submission).

Conditions:
Autosomal dominant nonsyndromic hearing loss 1. Also called: KONIGSMARK SYNDROME; DEAFNESS, AUTOSOMAL DOMINANT 1, WITH OR WITHOUT THROMBOCYTOPENIA. Identifiers: Orphanet 90635, MedGen C1852282, MONDO:0007424, OMIM 124900.
Progressive microcephaly-seizures-cortical blindness-developmental delay syndrome. Also called: Seizures, cortical blindness, and microcephaly syndrome. Identifiers: Orphanet 477814, MedGen C5567650, MONDO:0014714, OMIM 616632.

Submission:

Labcorp Genetics (formerly Invitae), Labcorp
Classification: Pathogenic for Progressive microcephaly-seizures-cortical blindness-developmental delay syndrome; Autosomal dominant nonsyndromic hearing loss 1. Last evaluated: 2020-12-26. Review status: criteria provided, single submitter. Criteria: Invitae Variant Classification Sherloc (09022015). Collection method: clinical testing. Allele origin: germline.
Comment: For these reasons, this variant has been classified as Pathogenic. This variant has not been reported in the literature in individuals with DIAPH1-related conditions. This variant is not present in population databases (ExAC no frequency). This sequence change creates a premature translational stop signal (p.Ser304Lysfs*26) in the DIAPH1 gene. It is expected to result in an absent or disrupted protein product. Loss-of-function variants in DIAPH1 are known to be pathogenic (PMID: 24781755, 26463574).

Literature cited by the submitters: PubMed 24781755; PubMed 26463574.